The following is an entry in ClinVar:

ClinVar aggregate classification (germline): Likely benign (1 of 4 stars; one submission).

Submission:

CeGaT Center for Human Genetics Tuebingen
Classification: Likely benign. Last evaluated: 2025-11-01. Review status: criteria provided, single submitter. Criteria: CeGaT Center For Human Genetics Tuebingen Variant Classification Criteria Version 2. Collection method: clinical testing. Allele origin: germline. Affected: yes. Observed: 2 variant alleles.
Comment: SCAF4: PM4:Supporting, BS1

NM_020706.2(SCAF4):c.2157TCC[4] (p.Pro723_Phe724insPro)

Gene: SCAF4 (SR-related CTD associated factor 4; minus strand). Cytogenetic location: 21q22.11.
Variant type: Microsatellite.
Coding change: c.2157TCC[4] on transcript NM_020706.2 (MANE Select); four copies in a row of the 3-base unit TCC starting at c.2157; the reference has three copies in a row; one copy, 3 bases duplicated.
Protein change: p.Pro723_Phe724insPro.
Molecular consequence: inframe insertion.
Genome position (GRCh38, 1-based): chr21:31,685,612-31,685,614, GGA duplicated on the plus strand (TCC on the coding strand, the reverse complement: SCAF4 is on the minus strand); duplicating any 3 consecutive bases within chr21:31,685,612-31,685,622 gives the same sequence; the position shown is the placement nearest the transcript's 3' end. VCF-style (leftmost placement, unchanged base first): chr21-31685611-T-TGGA. GRCh37 (hg19) VCF-style: chr21-33057924-T-TGGA.
Other names: c.2112TCC[4], p.Pro708_Phe709insPro (NM_001145444.1); c.2157TCC[4], p.Pro723_Phe724insPro (NM_001145445.1).
Identifiers: ClinVar variation 4533811 (VCV004533811.6).